The following is an entry in ClinVar:

ClinVar aggregate classification (germline): Uncertain significance (1 of 4 stars; one submission).

Allele frequency attached by ClinVar (database versions not stated): gnomAD 0.00001.
gnomAD v4.1: 1 of 1,613,936 alleles (0.000062%); highest among the groups gnomAD compares: Non-Finnish European, 0.000085%; no homozygotes.

Submission:

Labcorp Genetics (formerly Invitae), Labcorp
Classification: Uncertain significance. Last evaluated: 2023-09-19. Review status: criteria provided, single submitter. Criteria: Invitae Variant Classification Sherloc (09022015). Collection method: clinical testing. Allele origin: germline.
Comment: In summary, the available evidence is currently insufficient to determine the role of this variant in disease. Therefore, it has been classified as a Variant of Uncertain Significance. An algorithm developed to predict the effect of missense changes on protein structure and function (PolyPhen-2) suggests that this variant is likely to be disruptive. This variant has not been reported in the literature in individuals affected with ADGRA3-related conditions. This variant is present in population databases (no rsID available, gnomAD 0.007%). This sequence change replaces asparagine, which is neutral and polar, with serine, which is neutral and polar, at codon 652 of the ADGRA3 protein (p.Asn652Ser).

NM_145290.4(ADGRA3):c.1955A>G (p.Asn652Ser)

Gene: ADGRA3 (adhesion G protein-coupled receptor A3; minus strand). Cytogenetic location: 4p15.2.
Variant type: single nucleotide variant.
Coding change: c.1955A>G on transcript NM_145290.4 (MANE Select); coding-DNA position 1955, A replaced by G.
Protein change: p.Asn652Ser; replaces asparagine 652 with serine.
Molecular consequence: missense variant.
Genome position (GRCh38, 1-based): chr4:22,413,669, T>C on the plus strand (A>G on the coding strand, the complement: ADGRA3 is on the minus strand). VCF-style: chr4-22413669-T-C. GRCh37 (hg19) VCF-style: chr4-22415292-T-C.
Other names: short protein forms N652S.
Identifiers: ClinVar variation 2761556 (VCV002761556.3), dbSNP rs1290085452, ClinGen allele CA356480022.